The following is an entry in ClinVar:

NM_001171.6(ABCC6):c.2360T>A (p.Val787Asp)

Gene: ABCC6 (ATP binding cassette subfamily C member 6; minus strand). Cytogenetic location: 16p13.11.
Variant type: single nucleotide variant.
Coding change: c.2360T>A on transcript NM_001171.6 (MANE Select); coding-DNA position 2360, T replaced by A.
Protein change: p.Val787Asp; replaces valine 787 with aspartic acid.
Molecular consequence: missense variant. On other transcripts: non-coding transcript variant (1).
Genome position (GRCh38, 1-based): chr16:16,178,853, A>T on the plus strand (T>A on the coding strand, the complement: ABCC6 is on the minus strand). VCF-style: chr16-16178853-A-T. GRCh37 (hg19) VCF-style: chr16-16272710-A-T.
Other names: c.2018T>A, p.Val673Asp (NM_001351800.1); short protein forms V673D, V787D.
Identifiers: ClinVar variation 1999817 (VCV001999817.4), dbSNP rs2510994542, ClinGen allele CA394887983.

ClinVar aggregate classification (germline): Uncertain significance (1 of 4 stars; one submission).

gnomAD v4.1: 1 of 1,613,704 alleles (0.000062%); highest among the groups gnomAD compares: Non-Finnish European, 0.000085%; no homozygotes.

Submission:

Labcorp Genetics (formerly Invitae), Labcorp
Classification: Uncertain significance. Last evaluated: 2022-05-28. Review status: criteria provided, single submitter. Criteria: Invitae Variant Classification Sherloc (09022015). Collection method: clinical testing. Allele origin: germline.
Comment: This sequence change replaces valine, which is neutral and non-polar, with aspartic acid, which is acidic and polar, at codon 787 of the ABCC6 protein (p.Val787Asp). This variant is not present in population databases (gnomAD no frequency). This variant has not been reported in the literature in individuals affected with ABCC6-related conditions. Advanced modeling of protein sequence and biophysical properties (such as structural, functional, and spatial information, amino acid conservation, physicochemical variation, residue mobility, and thermodynamic stability) performed at Invitae indicates that this missense variant is expected to disrupt ABCC6 protein function. In summary, the available evidence is currently insufficient to determine the role of this variant in disease. Therefore, it has been classified as a Variant of Uncertain Significance.